The following is an entry in ClinVar:

NM_015662.3(IFT172):c.1382A>G (p.Tyr461Cys)

Gene: IFT172 (intraflagellar transport 172; minus strand). Cytogenetic location: 2p23.3.
Variant type: single nucleotide variant.
Coding change: c.1382A>G on transcript NM_015662.3 (MANE Select); coding-DNA position 1382, A replaced by G.
Protein change: p.Tyr461Cys; replaces tyrosine 461 with cysteine.
Molecular consequence: missense variant.
Genome position (GRCh38, 1-based): chr2:27,476,670, T>C on the plus strand (A>G on the coding strand, the complement: IFT172 is on the minus strand). VCF-style: chr2-27476670-T-C. GRCh37 (hg19) VCF-style: chr2-27699537-T-C.
Other names: c.1382A>G, p.Tyr461Cys (NM_001410739.1); short protein forms Y461C.
Identifiers: ClinVar variation 3751493 (VCV003751493.2).
Genomic context (GRCh38, chr2:27,476,670, plus strand): 5'-GTTATTAAAATTATGAGAGAGTCTTACTCACCTATAGCAATAGTCTTAATATCAATAAGA[T>C]AAGCCAATTTCTTATTATCTTCTGTTCCTCGCTGACACCTCTCATTAATACGAACACTGA-3'
Protein context (NP_056477.1, residues 451-471): RGTEDNKKLA[Tyr461Cys]LIDIKTIAIV

ClinVar aggregate classification (germline): Uncertain significance (1 of 4 stars; one submission).

Conditions:
Short-rib thoracic dysplasia 10 with or without polydactyly (SRTD10). Identifiers: Orphanet 474, MedGen C3810175, MONDO:0014284, OMIM 615630.
Retinitis pigmentosa 71 (RP71). Identifiers: Orphanet 791, MedGen C4225342, MONDO:0014618, OMIM 616394.

Submission:

Labcorp Genetics (formerly Invitae), Labcorp
Classification: Uncertain significance for Retinitis pigmentosa 71; Short-rib thoracic dysplasia 10 with or without polydactyly. Last evaluated: 2024-07-31. Review status: criteria provided, single submitter. Criteria: Invitae Variant Classification Sherloc (09022015). Collection method: clinical testing. Allele origin: germline.
Comment: This sequence change replaces tyrosine, which is neutral and polar, with cysteine, which is neutral and slightly polar, at codon 461 of the IFT172 protein (p.Tyr461Cys). This variant is not present in population databases (gnomAD no frequency). This variant has not been reported in the literature in individuals affected with IFT172-related conditions. Advanced modeling of protein sequence and biophysical properties (such as structural, functional, and spatial information, amino acid conservation, physicochemical variation, residue mobility, and thermodynamic stability) performed at Invitae indicates that this missense variant is expected to disrupt IFT172 protein function with a positive predictive value of 80%. In summary, the available evidence is currently insufficient to determine the role of this variant in disease. Therefore, it has been classified as a Variant of Uncertain Significance.